The following is an entry in ClinVar:

ClinVar aggregate classification (germline): Uncertain significance (1 of 4 stars; one submission).

Allele frequency attached by ClinVar (database versions not stated): gnomAD 0.00001; gnomAD exomes 0.00001 and 0.00004; TOPMed 0.00002.
gnomAD v4.1: 6 of 1,551,564 alleles (0.00039%); highest among the groups gnomAD compares: East Asian, 0.015%; no homozygotes.

Submission:

Labcorp Genetics (formerly Invitae), Labcorp
Classification: Uncertain significance. Last evaluated: 2022-06-27. Review status: criteria provided, single submitter. Criteria: Invitae Variant Classification Sherloc (09022015). Collection method: clinical testing. Allele origin: germline.
Comment: This sequence change replaces glycine, which is neutral and non-polar, with alanine, which is neutral and non-polar, at codon 745 of the UNC80 protein (p.Gly745Ala). The frequency data for this variant in the population databases is considered unreliable, as metrics indicate poor data quality at this position in the gnomAD database. This variant has not been reported in the literature in individuals affected with UNC80-related conditions. Algorithms developed to predict the effect of missense changes on protein structure and function are either unavailable or do not agree on the potential impact of this missense change (SIFT: "Not Available"; PolyPhen-2: "Possibly Damaging"; Align-GVGD: "Not Available"). In summary, the available evidence is currently insufficient to determine the role of this variant in disease. Therefore, it has been classified as a Variant of Uncertain Significance.

NM_001371986.1(UNC80):c.2234G>C (p.Gly745Ala)

Gene: UNC80 (unc-80 homolog, NALCN channel complex subunit; plus strand). Cytogenetic location: 2q34.
Variant type: single nucleotide variant.
Coding change: c.2234G>C on transcript NM_001371986.1 (MANE Select); coding-DNA position 2234, G replaced by C.
Protein change: p.Gly745Ala; replaces glycine 745 with alanine.
Molecular consequence: missense variant.
Genome position (GRCh38, 1-based): chr2:209,820,582, G>C. VCF-style: chr2-209820582-G-C. GRCh37 (hg19) VCF-style: chr2-210685306-G-C.
Other names: c.2234G>C, p.Gly745Ala (NM_032504.2, NM_182587.4); short protein forms G745A.
Identifiers: ClinVar variation 1493029 (VCV001493029.5), dbSNP rs1380904876, ClinGen allele CA350136949.